The following is an entry in ClinVar:

NM_139343.3(BIN1):c.165+66A>G

Gene: BIN1 (bridging integrator 1; minus strand). Cytogenetic location: 2q14.3.
Variant type: single nucleotide variant.
Coding change: c.165+66A>G on transcript NM_139343.3 (MANE Select); 66 bases into the intron after coding-DNA position 165, A replaced by G.
Molecular consequence: intron variant.
Genome position (GRCh38, 1-based): chr2:127,076,560, T>C on the plus strand (A>G on the coding strand, the complement: BIN1 is on the minus strand). VCF-style: chr2-127076560-T-C. GRCh37 (hg19) VCF-style: chr2-127834136-T-C.
Other names: c.84+66A>G (NM_001320642.1); c.93+66A>G (NM_001320634.1); c.165+66A>G (NM_139351.3, NM_139350.3, NM_139349.3 and 10 more transcripts).
Identifiers: ClinVar variation 678126 (VCV000678126.2), dbSNP rs2276575, ClinGen allele CA11082075.
Genomic context (GRCh38, chr2:127,076,560, plus strand): 5'-TCTTGTCAGCCCACACTGATTACCCTCCTCCAAGCTCTCGTACTCCACAAATTCAGCTCG[T>C]GCCATTTTTCACCTGGCAGCCGAATTTTCACAAACTCCCTAAGGCCAAGGGCCACCCACA-3'

ClinVar aggregate classification (germline): Benign. Review status: criteria provided, multiple submitters, no conflicts (2 of 4 stars). 2 submissions from 2 submitters: Benign (2). Last evaluated 2018-06-16.

Allele frequency attached by ClinVar (database versions not stated): gnomAD exomes 0.16259; 1000 Genomes Project 0.17173; TOPMed 0.17174; 1000 Genomes Project 30x 0.17239; gnomAD 0.18083 and 0.18089.
gnomAD v4.1: 258,056 of 1,570,810 alleles (16%); highest among the groups gnomAD compares: South Asian, 24%; 22,333 homozygotes.

Submissions (2):

GeneDx
Classification: Benign. Last evaluated: 2018-06-16. Review status: criteria provided, single submitter. Criteria: GeneDx Variant Classification (06012015). Collection method: clinical testing. Allele origin: germline. Affected: yes.
Comment: This variant is considered likely benign or benign based on one or more of the following criteria: it is a conservative change, it occurs at a poorly conserved position in the protein, it is predicted to be benign by multiple in silico algorithms, and/or has population frequency not consistent with disease.

Breakthrough Genomics
Classification: Benign. Review status: criteria provided, single submitter. Criteria: ACMG Guidelines, 2015. Collection method: not provided. Allele origin: germline. Inheritance: Autosomal recessive inheritance. Affected: yes.